The following is an entry in ClinVar:

ClinVar aggregate classification (germline): Benign/Likely benign. Review status: criteria provided, multiple submitters, no conflicts (2 of 4 stars). 2 submissions from 2 submitters: Benign (1); Likely benign (1). Last evaluated 2025-01-24.

Conditions:
Lynch syndrome 4 (LYNCH4). Also called: Colorectal cancer, hereditary nonpolyposis, type 4; Hereditary non-polyposis colorectal cancer, type 4. Identifiers: Orphanet 144, MedGen C1838333, MONDO:0013699, OMIM 614337. Disease mechanism: loss of function.
Hereditary nonpolyposis colorectal neoplasms. Identifiers: MedGen C0009405, MeSH D003123.

Submissions (2):

Myriad Genetics, Inc.
Classification: Benign for Lynch syndrome 4. Last evaluated: 2025-01-24. Review status: criteria provided, single submitter. Criteria: Myriad Autosomal Dominant, Autosomal Recessive and X-Linked Classification Criteria (2023). Collection method: clinical testing. Allele origin: unknown.
Comment: This variant is considered benign. This variant is a silent/synonymous amino acid change and it is not expected to impact splicing.

Labcorp Genetics (formerly Invitae), Labcorp
Classification: Likely benign for Hereditary nonpolyposis colorectal neoplasms. Last evaluated: 2018-10-23. Review status: criteria provided, single submitter. Criteria: Invitae Variant Classification Sherloc (09022015). Collection method: clinical testing. Allele origin: germline.

NM_000535.7(PMS2):c.288C>G (p.Ala96=)

Gene: PMS2 (PMS1 homolog 2, mismatch repair system component; minus strand). Cytogenetic location: 7p22.1.
Variant type: single nucleotide variant.
Coding change: c.288C>G on transcript NM_000535.7 (MANE Select); coding-DNA position 288, C replaced by G.
Protein change: p.Ala96=; no amino-acid change (alanine 96 retained).
Molecular consequence: synonymous variant. On other transcripts: 5 prime UTR variant (9), non-coding transcript variant (1), intron variant (2).
Genome position (GRCh38, 1-based): chr7:6,003,755, G>C on the plus strand (C>G on the coding strand, the complement: PMS2 is on the minus strand). VCF-style: chr7-6003755-G-C. GRCh37 (hg19) VCF-style: chr7-6043386-G-C.
Other names: c.-118C>G (NM_001322003.2, NM_001322004.2, NM_001322005.2 and 3 more transcripts); c.288C>G, p.Ala96= (NM_001322006.2, NM_001322014.2); c.-597C>G (NM_001322011.2, NM_001322012.2); c.-197C>G (NM_001322015.2); c.35+217C>G (NM_001322008.2, NM_001322007.2).
Identifiers: ClinVar variation 793696 (VCV000793696.10), dbSNP rs12532895, ClinGen allele CA453647972.